The following is an entry in ClinVar:

ClinVar aggregate classification (germline): Likely benign. Review status: criteria provided, single submitter (1 of 4 stars). 2 submissions from 2 submitters: Likely benign (1). 1 of the submissions does not count toward it.

Conditions:
EPPK1-related disorder. Also called: EPPK1-related condition.

Allele frequency attached by ClinVar (database versions not stated): gnomAD 0.00002; gnomAD exomes 0.00002; TOPMed 0.00002; ExAC 0.00004.
gnomAD v4.1: 31 of 1,609,200 alleles (0.0019%); highest among the groups gnomAD compares: Non-Finnish European, 0.0023%; no homozygotes.

Submissions (2):

Breakthrough Genomics
Classification: Likely benign. Review status: criteria provided, single submitter. Criteria: ACMG Guidelines, 2015. Collection method: not provided. Allele origin: germline. Inheritance: Unknown mechanism. Affected: yes.

PreventionGenetics, part of Exact Sciences
Classification: Likely benign for EPPK1-related condition. Last evaluated: 2022-10-03. Review status: no assertion criteria provided. Collection method: clinical testing. Allele origin: germline. Not counted in ClinVar's aggregate classification.
Comment: This variant is classified as likely benign based on ACMG/AMP sequence variant interpretation guidelines (Richards et al. 2015 PMID: 25741868, with internal and published modifications).

NM_031308.4(EPPK1):c.2664C>T (p.Thr888=)

Gene: EPPK1 (epiplakin 1; minus strand). Cytogenetic location: 8q24.3.
Variant type: single nucleotide variant.
Coding change: c.2664C>T on transcript NM_031308.4 (MANE Select); coding-DNA position 2664, C replaced by T.
Protein change: p.Thr888=; no amino-acid change (threonine 888 retained).
Molecular consequence: synonymous variant.
Genome position (GRCh38, 1-based): chr8:143,870,590, G>A on the plus strand (C>T on the coding strand, the complement: EPPK1 is on the minus strand). VCF-style: chr8-143870590-G-A. GRCh37 (hg19) VCF-style: chr8-144944758-G-A.
Identifiers: ClinVar variation 3054000 (VCV003054000.3), dbSNP rs782676327, ClinGen allele CA4922992.